The following is an entry in ClinVar:

NC_000016.9:g.(?_2089925)_(2098764_?)del

Genes: NTHL1 (nth like DNA glycosylase 1; minus strand), TSC2 (TSC complex subunit 2; plus strand). Cytogenetic location: 16p13.3.
Variant type: Deletion.
Identifiers: ClinVar variation 3243443 (VCV003243443.1).

ClinVar aggregate classification (germline): Pathogenic (1 of 4 stars; one submission).

Conditions:
Tuberous sclerosis 2 (TSC2). Identifiers: Orphanet 805, MedGen C1860707, MONDO:0013199, OMIM 613254.

Submission:

Labcorp Genetics (formerly Invitae), Labcorp
Classification: Pathogenic for Tuberous sclerosis 2. Last evaluated: 2023-10-09. Review status: criteria provided, single submitter. Criteria: Invitae Variant Classification Sherloc (09022015). Collection method: clinical testing. Allele origin: unknown.
Comment: This variant is a gross deletion of the genomic region encompassing exon(s) 1-2 of the TSC2 gene, which includes the initiator codon. This deletion extends beyond the assayed region for this gene and therefore may encompass additional genes. It is expected to result in an absent or disrupted protein product. Loss-of-function variants in TSC2 are known to be pathogenic (PMID: 10205261, 17304050). A similar copy number variant has been observed in individual(s) with tuberous sclerosis complex (PMID: 30260069). For these reasons, this variant has been classified as Pathogenic.

Literature cited by the submitters: PubMed 10205261; PubMed 17304050; PubMed 30260069.